The following is an entry in ClinVar:

NM_001025295.3(IFITM5):c.121G>C (p.Val41Leu)

Gene: IFITM5 (interferon induced transmembrane protein 5; minus strand). Cytogenetic location: 11p15.5.
Variant type: single nucleotide variant.
Coding change: c.121G>C on transcript NM_001025295.3 (MANE Select); coding-DNA position 121, G replaced by C.
Protein change: p.Val41Leu; replaces valine 41 with leucine.
Molecular consequence: missense variant.
Genome position (GRCh38, 1-based): chr11:299,370, C>G on the plus strand (G>C on the coding strand, the complement: IFITM5 is on the minus strand). VCF-style: chr11-299370-C-G. GRCh37 (hg19) VCF-style: chr11-299370-C-G.
Other names: short protein forms V41L.
Identifiers: ClinVar variation 4848315 (VCV004848315.1).

ClinVar aggregate classification (germline): Uncertain significance (1 of 4 stars; one submission).

gnomAD v4.1: 7 of 1,596,696 alleles (0.00044%); highest among the groups gnomAD compares: Admixed American, 0.0017%; no homozygotes.

Submission:

Women's Health and Genetics/Laboratory Corporation of America, LabCorp
Classification: Uncertain significance. Last evaluated: 2026-02-17. Review status: criteria provided, single submitter. Criteria: LabCorp Variant Classification Summary - May 2015. Collection method: clinical testing. Allele origin: germline.
Comment: Variant summary: IFITM5 c.121G>C (p.Val41Leu) results in a conservative amino acid change in the encoded protein sequence. Algorithms developed to predict the effect of missense changes on protein structure and function all suggest that this variant is likely to be tolerated. The variant allele was found at a frequency of 4.6e-06 in 218184 control chromosomes. The available data on variant occurrences in the general population are insufficient to allow any conclusion about variant significance. To our knowledge, no occurrence of c.121G>C in individuals affected with IFITM5-related conditions and no experimental evidence demonstrating its impact on protein function have been reported. No submitters have cited clinical-significance assessments for this variant to ClinVar. Based on the evidence outlined above, the variant was classified as uncertain significance.